The following is an entry in ClinVar:

NM_016247.4(IMPG2):c.*3780T>A

Gene: IMPG2 (interphotoreceptor matrix proteoglycan 2; minus strand). Cytogenetic location: 3q12.3.
Variant type: single nucleotide variant.
Coding change: c.*3780T>A on transcript NM_016247.4 (MANE Select); 3780 bases downstream of the stop codon, T replaced by A.
Molecular consequence: 3 prime UTR variant.
Genome position (GRCh38, 1-based): chr3:101,223,189, A>T on the plus strand (T>A on the coding strand, the complement: IMPG2 is on the minus strand). VCF-style: chr3-101223189-A-T. GRCh37 (hg19) VCF-style: chr3-100942033-A-T.
Identifiers: ClinVar variation 342277 (VCV000342277.6), dbSNP rs511575, ClinGen allele CA10616587.
Genomic context (GRCh38, chr3:101,223,189, plus strand): 5'-CATATTTCCACCTTCCGCCAGGATATCCTTTGTGGAATACAATGCAATGGATTTGAGAAT[A>T]GTGACCGTCACATCATTTTTCTGCATTTATTACACAATTGGGAGAATAAGCTAGGATCTT-3'

ClinVar aggregate classification (germline): Benign. Review status: criteria provided, multiple submitters, no conflicts (2 of 4 stars). 2 submissions from 2 submitters: Benign (2). Last evaluated 2018-01-13.

Conditions:
Retinitis pigmentosa (RP). Identifiers: Orphanet 791, MedGen C0035334, MeSH D012174, MONDO:0019200, OMIM 268000. Inheritance: Autosomal dominant, autosomal recessive and X linked inheritance.

Allele frequency attached by ClinVar (database versions not stated): gnomAD exomes 0.50000; TOPMed 0.79812; gnomAD 0.80280; 1000 Genomes Project 30x 0.81184; 1000 Genomes Project 0.81290.
gnomAD v4.1: 121,866 of 152,206 alleles (80%); highest among the groups gnomAD compares: Admixed American, 83%; 48,814 homozygotes.

Submissions (2):

Illumina Laboratory Services, Illumina
Classification: Benign for Retinitis pigmentosa. Last evaluated: 2018-01-13. Review status: criteria provided, single submitter. Criteria: ICSL Variant Classification Criteria 13 December 2019. Collection method: clinical testing. Allele origin: germline.
Comment: This variant was observed in the ICSL laboratory as part of a predisposition screen in an ostensibly healthy population. It had not been previously curated by ICSL or reported in the Human Gene Mutation Database (HGMD: prior to June 1st, 2018), and was therefore a candidate for classification through an automated scoring system. Utilizing variant allele frequency, disease prevalence and penetrance estimates, and inheritance mode, an automated score was calculated to assess if this variant is too frequent to cause the disease. Based on the score and internal cut-off values, a variant classified as benign is not then subjected to further curation. The score for this variant resulted in a classification of benign for this disease.

Breakthrough Genomics
Classification: Benign. Review status: criteria provided, single submitter. Criteria: ACMG Guidelines, 2015. Collection method: not provided. Allele origin: germline. Inheritance: Autosomal recessive inheritance. Affected: yes.